The following is an entry in ClinVar:

ClinVar aggregate classification (germline): Pathogenic (1 of 4 stars; one submission).

Submission:

Labcorp Genetics (formerly Invitae), Labcorp
Classification: Pathogenic. Last evaluated: 2024-04-15. Review status: criteria provided, single submitter. Criteria: Invitae Variant Classification Sherloc (09022015). Collection method: clinical testing. Allele origin: germline.
Comment: This sequence change creates a premature translational stop signal (p.Gly170Valfs*17) in the MYO3A gene. It is expected to result in an absent or disrupted protein product. Loss-of-function variants in MYO3A are known to be pathogenic (PMID: 12032315, 23990876). This variant is present in population databases (rs767724241, gnomAD 0.003%). This variant has not been reported in the literature in individuals affected with MYO3A-related conditions. Algorithms developed to predict the effect of sequence changes on RNA splicing suggest that this variant may disrupt the consensus splice site. For these reasons, this variant has been classified as Pathogenic.

Literature cited by the submitters: PubMed 12032315; PubMed 23990876.

NC_000010.11:g.26016820del

Gene: MYO3A (myosin IIIA; plus strand). Cytogenetic location: 10p12.1.
Variant type: Deletion.
Genome position: GRCh38 VCF-style: chr10-26016818-AG-A. GRCh37 (hg19) VCF-style: chr10-26305747-AG-A.
Identifiers: ClinVar variation 2868467 (VCV002868467.3), dbSNP rs767724241, ClinGen allele CA5444344.
Genomic context (GRCh38, chr10:26,016,818, plus strand): 5'-CAATTGAAAGCTCTTTATATGAGTAATTAATGCAAAAAAGTACATCTTGTCTCTTCCTCT[AG>A]GTGTGTCTGCACAGCTCACCAGTACCCGGCACCGTCGGAACACATCCGTAGGAACACCGT-3'